The following is an entry in ClinVar:

NM_002471.4(MYH6):c.4087C>A (p.Leu1363Met)

Gene: MYH6 (myosin heavy chain 6; minus strand). Cytogenetic location: 14q11.2.
Variant type: single nucleotide variant.
Coding change: c.4087C>A on transcript NM_002471.4 (MANE Select); coding-DNA position 4087, C replaced by A.
Protein change: p.Leu1363Met; replaces leucine 1363 with methionine.
Molecular consequence: missense variant.
Genome position (GRCh38, 1-based): chr14:23,388,947, G>T on the plus strand (C>A on the coding strand, the complement: MYH6 is on the minus strand). VCF-style: chr14-23388947-G-T. GRCh37 (hg19) VCF-style: chr14-23858156-G-T.
Other names: short protein forms L1363M.
Identifiers: ClinVar variation 1737672 (VCV001737672.7), dbSNP rs1891133485, ClinGen allele CA389001929.

ClinVar aggregate classification (germline): Uncertain significance. Review status: criteria provided, multiple submitters, no conflicts (2 of 4 stars). 2 submissions from 2 submitters: Uncertain significance (2). Last evaluated 2022-05-22.

Conditions:
Hypertrophic cardiomyopathy 14. Identifiers: MedGen C2750467, MONDO:0013197, OMIM 613251.
Cardiovascular phenotype. Identifiers: MedGen CN230736.

Allele frequency attached by ClinVar (database versions not stated): gnomAD exomes below 0.00001; TOPMed 0.00001.
gnomAD v4.1: 1 of 1,613,754 alleles (0.000062%); highest among the groups gnomAD compares: African/African-American, 0.0013%; no homozygotes.

Submissions (2):

Labcorp Genetics (formerly Invitae), Labcorp
Classification: Uncertain significance for Hypertrophic cardiomyopathy 14. Last evaluated: 2022-05-22. Review status: criteria provided, single submitter. Criteria: Invitae Variant Classification Sherloc (09022015). Collection method: clinical testing. Allele origin: germline.
Comment: In summary, the available evidence is currently insufficient to determine the role of this variant in disease. Therefore, it has been classified as a Variant of Uncertain Significance. Algorithms developed to predict the effect of missense changes on protein structure and function are either unavailable or do not agree on the potential impact of this missense change (SIFT: "Tolerated"; PolyPhen-2: "Possibly Damaging"; Align-GVGD: "Class C0"). This variant has not been reported in the literature in individuals affected with MYH6-related conditions. This variant is not present in population databases (gnomAD no frequency). This sequence change replaces leucine, which is neutral and non-polar, with methionine, which is neutral and non-polar, at codon 1363 of the MYH6 protein (p.Leu1363Met).

Ambry Genetics
Classification: Uncertain significance for Cardiovascular phenotype. Last evaluated: 2021-12-16. Review status: criteria provided, single submitter. Criteria: Ambry Variant Classification Scheme 2023. Collection method: clinical testing. Allele origin: germline.
Comment: The p.L1363M variant (also known as c.4087C>A), located in coding exon 27 of the MYH6 gene, results from a C to A substitution at nucleotide position 4087. The leucine at codon 1363 is replaced by methionine, an amino acid with highly similar properties. This amino acid position is conserved. In addition, this alteration is predicted to be tolerated by in silico analysis. Since supporting evidence is limited at this time, the clinical significance of this alteration remains unclear.